The following is an entry in ClinVar:

ClinVar aggregate classification (germline): Benign. Review status: criteria provided, multiple submitters, no conflicts (2 of 4 stars). 2 submissions from 2 submitters: Benign (2). Last evaluated 2018-01-12.

Conditions:
Hypohidrotic ectodermal dysplasia (HED). Identifiers: Orphanet 238468, MedGen C5848103, MONDO:0016535, HP:0007607.

Allele frequency attached by ClinVar (database versions not stated): gnomAD 0.74105; TOPMed 0.72013; 1000 Genomes Project 0.72085; gnomAD exomes 1.00000; 1000 Genomes Project 30x 0.71018.
gnomAD v4.1: 111,646 of 152,210 alleles (73%); highest among the groups gnomAD compares: East Asian, 97%; 43,751 homozygotes.

Submissions (2):

Illumina Laboratory Services, Illumina
Classification: Benign for Hypohidrotic ectodermal dysplasia. Last evaluated: 2018-01-12. Review status: criteria provided, single submitter. Criteria: ICSL Variant Classification Criteria 13 December 2019. Collection method: clinical testing. Allele origin: germline.
Comment: This variant was observed in the ICSL laboratory as part of a predisposition screen in an ostensibly healthy population. It had not been previously curated by ICSL or reported in the Human Gene Mutation Database (HGMD: prior to June 1st, 2018), and was therefore a candidate for classification through an automated scoring system. Utilizing variant allele frequency, disease prevalence and penetrance estimates, and inheritance mode, an automated score was calculated to assess if this variant is too frequent to cause the disease. Based on the score and internal cut-off values, a variant classified as benign is not then subjected to further curation. The score for this variant resulted in a classification of benign for this disease.

Breakthrough Genomics
Classification: Benign. Review status: criteria provided, single submitter. Criteria: ACMG Guidelines, 2015. Collection method: not provided. Allele origin: germline. Inheritance: Autosomal recessive inheritance. Affected: yes.

NM_022336.4(EDAR):c.*1129A>G

Genes: EDAR (ectodysplasin A receptor; minus strand), RANBP2 (RAN binding protein 2; plus strand). Cytogenetic location: 2q13.
Variant type: single nucleotide variant.
Coding change: c.*1129A>G on transcript NM_022336.4 (MANE Select); 1129 bases downstream of the stop codon, A replaced by G.
Molecular consequence: 3 prime UTR variant.
Genome position (GRCh38, 1-based): chr2:108,895,778, T>C on the plus strand (A>G on the coding strand, the complement: EDAR is on the minus strand). VCF-style: chr2-108895778-T-C. GRCh37 (hg19) VCF-style: chr2-109512234-T-C.
Identifiers: ClinVar variation 330694 (VCV000330694.7), dbSNP rs13001699, ClinGen allele CA10611846.